The following is an entry in ClinVar:

NM_001364905.1(LRBA):c.5267A>G (p.Asp1756Gly)

Gene: LRBA (LPS responsive beige-like anchor protein; minus strand). Cytogenetic location: 4q31.3.
Variant type: single nucleotide variant.
Coding change: c.5267A>G on transcript NM_001364905.1 (MANE Select); coding-DNA position 5267, A replaced by G.
Protein change: p.Asp1756Gly; replaces aspartic acid 1756 with glycine.
Molecular consequence: missense variant.
Genome position (GRCh38, 1-based): chr4:150,817,162, T>C on the plus strand (A>G on the coding strand, the complement: LRBA is on the minus strand). VCF-style: chr4-150817162-T-C. GRCh37 (hg19) VCF-style: chr4-151738314-T-C.
Other names: c.5267A>G, p.Asp1756Gly (NM_001199282.3, NM_001367550.1, NM_006726.5); short protein forms D1756G.
Identifiers: ClinVar variation 1042144 (VCV001042144.8), dbSNP rs867315755, ClinGen allele CA108422605.

ClinVar aggregate classification (germline): Uncertain significance (1 of 4 stars; one submission).

Conditions:
Combined immunodeficiency due to LRBA deficiency. Also called: Common variable immunodeficiency 8, with autoimmunity. Identifiers: Orphanet 445018, MedGen C3553512, MONDO:0013863, OMIM 614700.

Allele frequency attached by ClinVar (database versions not stated): gnomAD exomes below 0.00001.
gnomAD v4.1: 1 of 1,612,162 alleles (0.000062%); highest among the groups gnomAD compares: Non-Finnish European, 0.000085%; no homozygotes.

Submission:

Labcorp Genetics (formerly Invitae), Labcorp
Classification: Uncertain significance for Combined immunodeficiency due to LRBA deficiency. Last evaluated: 2020-05-30. Review status: criteria provided, single submitter. Criteria: Invitae Variant Classification Sherloc (09022015). Collection method: clinical testing. Allele origin: germline.
Comment: Algorithms developed to predict the effect of missense changes on protein structure and function (SIFT, PolyPhen-2, Align-GVGD) all suggest that this variant is likely to be tolerated, but these predictions have not been confirmed by published functional studies and their clinical significance is uncertain. This variant has not been reported in the literature in individuals with LRBA-related conditions. This variant is not present in population databases (ExAC no frequency). This sequence change replaces aspartic acid with glycine at codon 1756 of the LRBA protein (p.Asp1756Gly). The aspartic acid residue is weakly conserved and there is a moderate physicochemical difference between aspartic acid and glycine. In summary, the available evidence is currently insufficient to determine the role of this variant in disease. Therefore, it has been classified as a Variant of Uncertain Significance.